The following is an entry in ClinVar:

ClinVar aggregate classification (germline): Likely benign (0 of 4 stars; one submission).

Conditions:
CYP2U1-related disorder. Also called: CYP2U1-related condition.

Allele frequency attached by ClinVar (database versions not stated): gnomAD exomes below 0.00001.
gnomAD v4.1: 4 of 1,547,874 alleles (0.00026%); highest among the groups gnomAD compares: East Asian, 0.0073%; no homozygotes.

Submission:

PreventionGenetics, part of Exact Sciences
Classification: Likely benign for CYP2U1-related condition. Last evaluated: 2019-09-04. Review status: no assertion criteria provided. Collection method: clinical testing. Allele origin: germline.
Comment: This variant is classified as likely benign based on ACMG/AMP sequence variant interpretation guidelines (Richards et al. 2015 PMID: 25741868, with internal and published modifications).

NM_183075.3(CYP2U1):c.229C>T (p.Leu77=)

Genes: CYP2U1 (cytochrome P450 family 2 subfamily U member 1; plus strand), CYP2U1-AS1 (CYP2U1 and SGMS2 antisense RNA 1; minus strand). Cytogenetic location: 4q25.
Variant type: single nucleotide variant.
Coding change: c.229C>T on transcript NM_183075.3 (MANE Select); coding-DNA position 229, C replaced by T.
Protein change: p.Leu77=; no amino-acid change (leucine 77 retained).
Molecular consequence: synonymous variant.
Genome position (GRCh38, 1-based): chr4:107,931,872, C>T. VCF-style: chr4-107931872-C-T. GRCh37 (hg19) VCF-style: chr4-108853028-C-T.
Identifiers: ClinVar variation 3053149 (VCV003053149.2), dbSNP rs1732996673, ClinGen allele CA440817275.
Genomic context (GRCh38, chr4:107,931,872, plus strand): 5'-CGGGGCATCCCGCCCGGGCCCACGCCCTGGCCTCTGGTGGGCAACTTCGGTCACGTGCTG[C>T]TGCCTCCCTTCCTCCGGCGGCGGAGCTGGCTGAGCAGCAGGACCAGGGCCGCAGGGATTG-3'
Protein context (NP_898898.1, residues 67-87): PLVGNFGHVL[Leu77=]PPFLRRRSWL